The following is an entry in ClinVar:

NM_019892.6(INPP5E):c.653A>T (p.Asp218Val)

Gene: INPP5E (inositol polyphosphate-5-phosphatase E; minus strand). Cytogenetic location: 9q34.3.
Variant type: single nucleotide variant.
Coding change: c.653A>T on transcript NM_019892.6 (MANE Select); coding-DNA position 653, A replaced by T.
Protein change: p.Asp218Val; replaces aspartic acid 218 with valine.
Molecular consequence: missense variant.
Genome position (GRCh38, 1-based): chr9:136,438,767, T>A on the plus strand (A>T on the coding strand, the complement: INPP5E is on the minus strand). VCF-style: chr9-136438767-T-A. GRCh37 (hg19) VCF-style: chr9-139333219-T-A.
Other names: c.653A>T (NM_019892.5); c.653A>T, p.Asp218Val (NM_001318502.2); short protein forms D218V.
Identifiers: ClinVar variation 4275607 (VCV004275607.2).

ClinVar aggregate classification (germline): Uncertain significance. Review status: criteria provided, multiple submitters, no conflicts (2 of 4 stars). 2 submissions from 2 submitters: Uncertain significance (2). Last evaluated 2026-08-26.

Conditions:
INPP5E-related disorder. Also called: INPP5E-related condition.
Inborn genetic diseases. Identifiers: MedGen C0950123, MeSH D030342.

Submissions (2):

PreventionGenetics, part of Exact Sciences
Classification: Uncertain significance for INPP5E-related condition. Last evaluated: 2026-08-26. Review status: criteria provided, single submitter. Criteria: ACMG Guidelines, 2015. Collection method: clinical testing. Allele origin: germline.
Comment: The INPP5E c.653A>T variant is predicted to result in the amino acid substitution p.Asp218Val. To our knowledge, this variant has not been reported in the literature. This variant is reported in 0.0029% of alleles in individuals of Latino descent in gnomAD. At this time, the clinical significance of this variant is uncertain due to the absence of conclusive functional and genetic evidence.

Ambry Genetics
Classification: Uncertain significance for Inborn genetic diseases. Last evaluated: 2025-08-08. Review status: criteria provided, single submitter. Criteria: Ambry Variant Classification Scheme 2023. Collection method: clinical testing. Allele origin: germline.